The following is an entry in ClinVar:

ClinVar aggregate classification (germline): Uncertain significance. Review status: criteria provided, multiple submitters, no conflicts (2 of 4 stars). 2 submissions from 2 submitters: Uncertain significance (2). Last evaluated 2021-10-07.

Allele frequency attached by ClinVar (database versions not stated): gnomAD 0.00001; TOPMed 0.00001; gnomAD exomes 0.00002.

Submissions (2):

Blueprint Genetics
Classification: Uncertain significance. Last evaluated: 2021-10-07. Review status: criteria provided, single submitter. Criteria: ACMG Guidelines, 2015. Collection method: clinical testing. Allele origin: germline.

Labcorp Genetics (formerly Invitae), Labcorp
Classification: Uncertain significance. Last evaluated: 2021-08-31. Review status: criteria provided, single submitter. Criteria: Invitae Variant Classification Sherloc (09022015). Collection method: clinical testing. Allele origin: germline.
Comment: This sequence change replaces asparagine with histidine at codon 567 of the ADAM9 protein (p.Asn567His). The asparagine residue is highly conserved and there is a small physicochemical difference between asparagine and histidine. This variant is not present in population databases (ExAC no frequency). This variant has not been reported in the literature in individuals affected with ADAM9-related conditions. Algorithms developed to predict the effect of missense changes on protein structure and function (SIFT, PolyPhen-2, Align-GVGD) all suggest that this variant is likely to be disruptive. In summary, the available evidence is currently insufficient to determine the role of this variant in disease. Therefore, it has been classified as a Variant of Uncertain Significance.

NM_003816.3(ADAM9):c.1699A>C (p.Asn567His)

Gene: ADAM9 (ADAM metallopeptidase domain 9; plus strand). Cytogenetic location: 8p11.22.
Variant type: single nucleotide variant.
Coding change: c.1699A>C on transcript NM_003816.3 (MANE Select); coding-DNA position 1699, A replaced by C.
Protein change: p.Asn567His; replaces asparagine 567 with histidine.
Molecular consequence: missense variant. On other transcripts: non-coding transcript variant (3).
Genome position (GRCh38, 1-based): chr8:39,077,229, A>C. VCF-style: chr8-39077229-A-C. GRCh37 (hg19) VCF-style: chr8-38934748-A-C.
Other names: short protein forms N567H.
Identifiers: ClinVar variation 1358275 (VCV001358275.6), dbSNP rs747797066, ClinGen allele CA175196143.